The following is an entry in ClinVar:

ClinVar aggregate classification (germline): Likely benign (1 of 4 stars; one submission).

Allele frequency attached by ClinVar (database versions not stated): gnomAD 0.00098; 1000 Genomes Project 30x 0.00281.

Submission:

CeGaT Center for Human Genetics Tuebingen
Classification: Likely benign. Last evaluated: 2022-03-01. Review status: criteria provided, single submitter. Criteria: CeGaT Center For Human Genetics Tuebingen Variant Classification Criteria Version 2. Collection method: clinical testing. Allele origin: germline. Affected: yes. Observed: 1 variant allele.
Comment: NBPF9: BP4, BP7

NM_001388367.1(NBPF9):c.408G>A (p.Pro136=)

Gene: NBPF9 (NBPF member 9; minus strand). Cytogenetic location: 1q21.2.
Variant type: single nucleotide variant.
Coding change: c.408G>A on transcript NM_001388367.1 (MANE Select); coding-DNA position 408, G replaced by A.
Protein change: p.Pro136=; no amino-acid change (proline 136 retained).
Molecular consequence: synonymous variant.
Genome position (GRCh38, 1-based): chr1:149,079,092, C>T on the plus strand (G>A on the coding strand, the complement: NBPF9 is on the minus strand). VCF-style: chr1-149079092-C-T. GRCh37 (hg19) VCF-style: chr1-144618211-G-A.
Other names: c.408G>A, p.Pro136= (NM_001037675.4, NM_001277444.2, NM_001388366.1 and 16 more transcripts).
Identifiers: ClinVar variation 2639058 (VCV002639058.19), dbSNP rs782691322, ClinGen allele CA658820801.